The following is an entry in ClinVar:

NM_001267550.2(TTN):c.25063+18C>T

Gene: TTN (titin; minus strand). Cytogenetic location: 2q31.2.
Variant type: single nucleotide variant.
Coding change: c.25063+18C>T on transcript NM_001267550.2 (MANE Select); 18 bases into the intron after coding-DNA position 25063, C replaced by T.
Molecular consequence: intron variant.
Genome position (GRCh38, 1-based): chr2:178,717,925, G>A on the plus strand (C>T on the coding strand, the complement: TTN is on the minus strand). VCF-style: chr2-178717925-G-A. GRCh37 (hg19) VCF-style: chr2-179582652-G-A.
Other names: c.24112+18C>T (NM_001256850.1); c.13282+20157C>T (NM_003319.4); c.13858+20157C>T (NM_133437.4); c.13657+20157C>T (NM_133432.3); c.21331+18C>T (NM_133378.4).
Identifiers: ClinVar variation 387820 (VCV000387820.10), dbSNP rs541890371, ClinGen allele CA2000296.

ClinVar aggregate classification (germline): Likely benign. Review status: criteria provided, multiple submitters, no conflicts (2 of 4 stars). 3 submissions from 3 submitters: Likely benign (3). Last evaluated 2026-01-27.

Conditions:
Autosomal recessive limb-girdle muscular dystrophy type 2J (LGMDR10). Also called: Limb-girdle muscular dystrophy, type 2J; MUSCULAR DYSTROPHY, LIMB-GIRDLE, AUTOSOMAL RECESSIVE 10. Identifiers: Orphanet 140922, MedGen C1837342, MONDO:0012127, OMIM 608807.
Dilated cardiomyopathy 1G (CMD1G). Identifiers: Orphanet 154, MedGen C1858763, MONDO:0011400, OMIM 604145.
Myopathy, myofibrillar, 9, with early respiratory failure (MFM9). Also called: EDSTROM MYOPATHY; MYOPATHY, PROXIMAL, WITH EARLY RESPIRATORY MUSCLE INVOLVEMENT; Hereditary myopathy with early respiratory failure; Myopathy, distal, with early respiratory failure, autosomal dominant. Identifiers: Orphanet 178464, Orphanet 34521, MedGen C1863599, MONDO:0011362, OMIM 603689.
Early-onset myopathy with fatal cardiomyopathy (CMYO5). Also called: Salih Myopathy; CONGENITAL MYOPATHY 5 WITH CARDIOMYOPATHY. Identifiers: Orphanet 289377, MedGen C2673677, MONDO:0012714, OMIM 611705. Disease mechanism: loss of function.
Hypertrophic cardiomyopathy 9. Also called: Familial hypertrophic cardiomyopathy 9. Identifiers: MedGen C1861065, MONDO:0013412, OMIM 613765.
Tibial muscular dystrophy (TMD). Also called: UDD MYOPATHY; Tibial muscular dystrophy, tardive; Udd Distal Myopathy – Tibial Muscular Dystrophy. Identifiers: Orphanet 609, MedGen C1838244, MONDO:0010870, OMIM 600334.

Allele frequency attached by ClinVar (database versions not stated): ExAC 0.00001; gnomAD exomes 0.00001; gnomAD 0.00010 and 0.00011; 1000 Genomes Project 30x 0.00016; 1000 Genomes Project 0.00020; TOPMed 0.00023.
gnomAD v4.1: 37 of 1,606,448 alleles (0.0023%); highest among the groups gnomAD compares: Admixed American, 0.035%; no homozygotes.

Submissions (3):

Labcorp Genetics (formerly Invitae), Labcorp
Classification: Likely benign for Dilated cardiomyopathy 1G; Autosomal recessive limb-girdle muscular dystrophy type 2J. Last evaluated: 2026-01-27. Review status: criteria provided, single submitter. Criteria: Invitae Variant Classification Sherloc (09022015). Collection method: clinical testing. Allele origin: germline.

Fulgent Genetics
Classification: Likely benign for Tibial muscular dystrophy; Myopathy, myofibrillar, 9, with early respiratory failure; Dilated cardiomyopathy 1G; Autosomal recessive limb-girdle muscular dystrophy type 2J; Early-onset myopathy with fatal cardiomyopathy; Hypertrophic cardiomyopathy 9. Last evaluated: 2021-09-09. Review status: criteria provided, single submitter. Criteria: ACMG Guidelines, 2015. Collection method: clinical testing. Allele origin: unknown.

GeneDx
Classification: Likely benign. Last evaluated: 2016-07-28. Review status: criteria provided, single submitter. Criteria: GeneDx Variant Classification (06012015). Collection method: clinical testing. Allele origin: germline. Affected: yes.
Comment: This variant is considered likely benign or benign based on one or more of the following criteria: it is a conservative change, it occurs at a poorly conserved position in the protein, it is predicted to be benign by multiple in silico algorithms, and/or has population frequency not consistent with disease.